The following is an entry in ClinVar:

ClinVar aggregate classification (germline): Uncertain significance. Review status: criteria provided, multiple submitters, no conflicts (2 of 4 stars). 2 submissions from 2 submitters: Uncertain significance (2). Last evaluated 2024-05-21.

Conditions:
Donnai-Barrow syndrome. Also called: DBS/FOAR SYNDROME; FACIOOCULOACOUSTICORENAL SYNDROME. Identifiers: Orphanet 2143, MedGen C1857277, MONDO:0009104, OMIM 222448.

Allele frequency attached by ClinVar (database versions not stated): ExAC 0.00001.
gnomAD v4.1: 2 of 1,522,262 alleles (0.00013%); highest among the groups gnomAD compares: Admixed American, 0.0033%; no homozygotes.

Submissions (2):

Fulgent Genetics
Classification: Uncertain significance for Donnai-Barrow syndrome. Last evaluated: 2024-05-21. Review status: criteria provided, single submitter. Criteria: ACMG Guidelines, 2015. Collection method: clinical testing. Allele origin: germline.

Labcorp Genetics (formerly Invitae), Labcorp
Classification: Uncertain significance. Last evaluated: 2022-07-26. Review status: criteria provided, single submitter. Criteria: Invitae Variant Classification Sherloc (09022015). Collection method: clinical testing. Allele origin: germline.
Comment: This sequence change falls in intron 6 of the LRP2 gene. It does not directly change the encoded amino acid sequence of the LRP2 protein. This variant is present in population databases (rs774379598, gnomAD 0.006%). This variant has not been reported in the literature in individuals affected with LRP2-related conditions. Algorithms developed to predict the effect of sequence changes on RNA splicing suggest that this variant may disrupt the consensus splice site. In summary, the available evidence is currently insufficient to determine the role of this variant in disease. Therefore, it has been classified as a Variant of Uncertain Significance.

NM_004525.3(LRP2):c.653-13T>G

Gene: LRP2 (LDL receptor related protein 2; minus strand). Cytogenetic location: 2q31.1.
Variant type: single nucleotide variant.
Coding change: c.653-13T>G on transcript NM_004525.3 (MANE Select); 13 bases into the intron before coding-DNA position 653, T replaced by G.
Molecular consequence: intron variant.
Genome position (GRCh38, 1-based): chr2:169,292,382, A>C on the plus strand (T>G on the coding strand, the complement: LRP2 is on the minus strand). VCF-style: chr2-169292382-A-C. GRCh37 (hg19) VCF-style: chr2-170148892-A-C.
Identifiers: ClinVar variation 1909314 (VCV001909314.3), dbSNP rs774379598, ClinGen allele CA1955791.